The following is an entry in ClinVar:

ClinVar aggregate classification (germline): Uncertain significance. Review status: criteria provided, multiple submitters, no conflicts (2 of 4 stars). 2 submissions from 2 submitters: Uncertain significance (2). Last evaluated 2024-06-26.

Conditions:
Primary ciliary dyskinesia. Also called: Ciliary dyskinesia. Identifiers: Orphanet 244, MedGen C0008780, MONDO:0016575, HP:0012265.
Primary ciliary dyskinesia 3. Identifiers: Orphanet 244, MedGen C1837618, MONDO:0012085, OMIM 608644.

Allele frequency attached by ClinVar (database versions not stated): TOPMed 0.00001; gnomAD 0.00002; gnomAD exomes 0.00003.
gnomAD v4.1: 46 of 1,613,758 alleles (0.0029%); highest among the groups gnomAD compares: Non-Finnish European, 0.0039%; no homozygotes.

Submissions (2):

Ambry Genetics
Classification: Uncertain significance for Primary ciliary dyskinesia. Last evaluated: 2024-06-26. Review status: criteria provided, single submitter. Criteria: Ambry Variant Classification Scheme 2023. Collection method: clinical testing. Allele origin: germline.
Comment: The p.R761S variant (also known as c.2283A>C), located in coding exon 16 of the DNAH5 gene, results from an A to C substitution at nucleotide position 2283. The arginine at codon 761 is replaced by serine, an amino acid with dissimilar properties. This amino acid position is conserved. In addition, the in silico prediction for this alteration is inconclusive. Based on the available evidence, the clinical significance of this variant remains unclear.

Victorian Clinical Genetics Services, Murdoch Childrens Research Institute
Classification: Uncertain significance for Primary ciliary dyskinesia 3. Last evaluated: 2020-10-19. Review status: criteria provided, single submitter. Criteria: ACMG Guidelines, 2015. Collection method: clinical testing. Allele origin: germline. Inheritance: Autosomal recessive inheritance. Affected: yes.
Comment: Based on the classification scheme VCGS_Germline_v1.1.1, this variant is classified as 3B-VUS. Following criteria are met: 0102 - Loss-of-function is a known mechanism of disease for this gene. (N) 0106 - This gene is known to be associated with autosomal recessive disease. (N) 0200 - Variant is predicted to result in a missense amino acid change from arginine to serine (exon 16). (N) 0251 - Variant is heterozygous. (N) 0304 - Variant is present in gnomAD <0.01 for a recessive condition (4 heterozygotes, 0 homozygotes). (P) 0502 - Missense variant with conflicting in silico predictions and/or uninformative conservation. (N) 0600 - Variant is located in an annotated domain or motif (dynein heavy chain, N-terminal region 1; NCBI). (N) 0705 - No comparable variants have previous evidence for pathogenicity. (N) 0807 - Variant has not previously been reported in a clinical context. (N) 0905 - No segregation evidence has been identified for this variant. (N) 1007 - No published functional evidence has been identified for this variant. (N) 1208 - Inheritance information for this variant is not currently available. (N) Legend: (P) - Pathogenic, (N) - Neutral, (B) - Benign

NM_001369.3(DNAH5):c.2283A>C (p.Arg761Ser)

Genes: DNAH5 (dynein axonemal heavy chain 5; minus strand), DNAH5-AS1 (DNAH5 antisense RNA 1; plus strand). Cytogenetic location: 5p15.2.
Variant type: single nucleotide variant.
Coding change: c.2283A>C on transcript NM_001369.3 (MANE Select); coding-DNA position 2283, A replaced by C.
Protein change: p.Arg761Ser; replaces arginine 761 with serine.
Molecular consequence: missense variant.
Genome position (GRCh38, 1-based): chr5:13,894,798, T>G on the plus strand (A>C on the coding strand, the complement: DNAH5 is on the minus strand). VCF-style: chr5-13894798-T-G. GRCh37 (hg19) VCF-style: chr5-13894907-T-G.
Other names: short protein forms R761S.
Identifiers: ClinVar variation 1805602 (VCV001805602.2), dbSNP rs1162539227, ClinGen allele CA359201283.